The following is an entry in ClinVar:

NM_000785.4(CYP27B1):c.160_161dup (p.Lys55fs)

Gene: CYP27B1 (cytochrome P450 family 27 subfamily B member 1; minus strand). Cytogenetic location: 12q14.1.
Variant type: Duplication.
Coding change: c.160_161dup on transcript NM_000785.4 (MANE Select); coding-DNA positions 160 to 161, 2 bases duplicated (TG; older notation c.160_161dupTG).
Protein change: p.Lys55fs; shifts the reading frame from lysine 55.
Molecular consequence: frameshift variant.
Genome position (GRCh38, 1-based): chr12:57,766,881-57,766,882, CA duplicated on the plus strand (TG on the coding strand, the reverse complement: CYP27B1 is on the minus strand). VCF-style (leftmost placement, unchanged base first): chr12-57766880-G-GCA. GRCh37 (hg19) VCF-style: chr12-58160663-G-GCA.
Other names: short protein forms K55fs.
Identifiers: ClinVar variation 1069143 (VCV001069143.10), dbSNP rs1450111961, ClinGen allele CA605707017.

ClinVar aggregate classification (germline): Pathogenic/Likely pathogenic. Review status: criteria provided, multiple submitters, no conflicts (2 of 4 stars). 4 submissions from 4 submitters: Pathogenic (2); Likely pathogenic (1). 1 of the submissions does not count toward it. Last evaluated 2025-05-02.

Conditions:
CYP27B1-related disorder. Also called: CYP27B1-related condition.
Vitamin D-dependent rickets, type 1A. Also called: VITAMIN D HYDROXYLATION-DEFICIENT RICKETS, TYPE 1A; PDDR IA; PSEUDOVITAMIN D-DEFICIENCY RICKETS, TYPE IA. Identifiers: MedGen CN283242, MONDO:0020723, OMIM 264700.
Vitamin D-dependent rickets, type 1 (VDD1). Also called: VITAMIN D DEPENDENCY, TYPE 1. Identifiers: Orphanet 289157, MedGen C0268689, MONDO:0009924.

Allele frequency attached by ClinVar (database versions not stated): gnomAD exomes below 0.00001 and 0.00001.

Submissions (4):

Myriad Genetics, Inc.
Classification: Pathogenic for Vitamin D-dependent rickets, type 1A. Last evaluated: 2025-05-02. Review status: criteria provided, single submitter. Criteria: Myriad Autosomal Dominant, Autosomal Recessive and X-Linked Classification Criteria (2023). Collection method: clinical testing. Allele origin: unknown.
Comment: NM_000785.3(CYP27B1):c.160_161dupTG(K55Afs*24) is a frameshift variant classified as pathogenic in the context of vitamin D-dependent rickets, CYP27B1-related. K55Afs*24 has not been observed in cases with relevant disease. Relevant functional assessments of this variant are not available in the literature. K55Afs*24 has been observed in referenced population frequency databases. In summary, NM_000785.3(CYP27B1):c.160_161dupTG(K55Afs*24) is a frameshift variant in a gene where loss of function is a known mechanism of disease and is predicted to disrupt protein function. Please note: this variant was assessed in the context of healthy population screening.

Labcorp Genetics (formerly Invitae), Labcorp
Classification: Pathogenic. Last evaluated: 2024-11-21. Review status: criteria provided, single submitter. Criteria: Invitae Variant Classification Sherloc (09022015). Collection method: clinical testing. Allele origin: germline.
Comment: This sequence change creates a premature translational stop signal (p.Lys55Alafs*24) in the CYP27B1 gene. It is expected to result in an absent or disrupted protein product. Loss-of-function variants in CYP27B1 are known to be pathogenic (PMID: 9837822, 17488797). This variant is present in population databases (no rsID available, gnomAD 0.006%). This variant has not been reported in the literature in individuals affected with CYP27B1-related conditions. ClinVar contains an entry for this variant (Variation ID: 1069143). For these reasons, this variant has been classified as Pathogenic.

Blueprint Genetics
Classification: Likely pathogenic for CYP27B1-related disorders. Last evaluated: 2022-07-21. Review status: criteria provided, single submitter. Criteria: ACMG Guidelines, 2015. Collection method: clinical testing. Allele origin: germline. Affected: yes. Observed: 1 variant allele.

Department of Pediatric Endocrinology, Shriners Hospitals for Children - Mexico City
No classification provided. Condition: Vitamin D-dependent rickets, type 1. Review status: no classification provided. Collection method: phenotyping only. Allele origin: germline. Inheritance: Autosomal recessive inheritance. Affected: yes. Observed: 1 variant allele. Not counted in ClinVar's aggregate classification.

Literature cited by the submitters: PubMed 9837822 (cited by Labcorp Genetics (formerly Invitae), Labcorp); PubMed 17488797 (cited by Labcorp Genetics (formerly Invitae), Labcorp).